The following is an entry in ClinVar:

NM_004304.5(ALK):c.1853G>C (p.Gly618Ala)

Gene: ALK (ALK receptor tyrosine kinase; minus strand). Cytogenetic location: 2p23.2.
Variant type: single nucleotide variant.
Coding change: c.1853G>C on transcript NM_004304.5 (MANE Select); coding-DNA position 1853, G replaced by C.
Protein change: p.Gly618Ala; replaces glycine 618 with alanine.
Molecular consequence: missense variant.
Genome position (GRCh38, 1-based): chr2:29,275,461, C>G on the plus strand (G>C on the coding strand, the complement: ALK is on the minus strand). VCF-style: chr2-29275461-C-G. GRCh37 (hg19) VCF-style: chr2-29498327-C-G.
Other names: c.1853G>C (NM_004304.4); short protein forms G618A.
Identifiers: ClinVar variation 2766819 (VCV002766819.4), dbSNP rs766821017, ClinGen allele CA346479976.

ClinVar aggregate classification (germline): Uncertain significance. Review status: criteria provided, multiple submitters, no conflicts (2 of 4 stars). 2 submissions from 2 submitters: Uncertain significance (2). Last evaluated 2025-03-14.

Conditions:
Neuroblastoma, susceptibility to, 3. Also called: ALK-Related Neuroblastic Tumor Susceptibility. Identifiers: Orphanet 635, MedGen C2751681, MONDO:0013083, OMIM 613014.
Hereditary cancer-predisposing syndrome. Also called: Hereditary neoplastic syndrome; Hereditary Cancer Syndrome; Neoplastic Syndromes, Hereditary; Tumor predisposition. Identifiers: Orphanet 140162, MedGen C0027672, MeSH D009386, MONDO:0015356.

gnomAD v4.1: 2 of 1,614,104 alleles (0.00012%); highest among the groups gnomAD compares: Non-Finnish European, 0.00017%; no homozygotes.

Submissions (2):

Ambry Genetics
Classification: Uncertain significance for Hereditary cancer-predisposing syndrome. Last evaluated: 2025-03-14. Review status: criteria provided, single submitter. Criteria: Ambry Variant Classification Scheme 2023. Collection method: clinical testing. Allele origin: germline.
Comment: The p.G618A variant (also known as c.1853G>C), located in coding exon 10 of the ALK gene, results from a G to C substitution at nucleotide position 1853. The glycine at codon 618 is replaced by alanine, an amino acid with similar properties. This amino acid position is conserved. In addition, this alteration is predicted to be tolerated by in silico analysis. Based on the available evidence, the clinical significance of this variant remains unclear.

Labcorp Genetics (formerly Invitae), Labcorp
Classification: Uncertain significance for Neuroblastoma, susceptibility to, 3. Last evaluated: 2023-10-08. Review status: criteria provided, single submitter. Criteria: Invitae Variant Classification Sherloc (09022015). Collection method: clinical testing. Allele origin: germline.
Comment: This sequence change replaces glycine, which is neutral and non-polar, with alanine, which is neutral and non-polar, at codon 618 of the ALK protein (p.Gly618Ala). This variant is not present in population databases (gnomAD no frequency). This variant has not been reported in the literature in individuals affected with ALK-related conditions. An algorithm developed to predict the effect of missense changes on protein structure and function (PolyPhen-2) suggests that this variant is likely to be disruptive. In summary, the available evidence is currently insufficient to determine the role of this variant in disease. Therefore, it has been classified as a Variant of Uncertain Significance.